The following is an entry in ClinVar:

ClinVar aggregate classification (germline): Uncertain significance. Review status: criteria provided, multiple submitters, no conflicts (2 of 4 stars). 2 submissions from 2 submitters: Uncertain significance (2). Last evaluated 2024-12-22.

Conditions:
Hereditary cancer-predisposing syndrome. Also called: Neoplastic Syndromes, Hereditary; Hereditary Cancer Syndrome; Tumor predisposition; Hereditary neoplastic syndrome. Identifiers: Orphanet 140162, MedGen C0027672, MeSH D009386, MONDO:0015356.
Bloom syndrome (BLM). Also called: Bloom-Torre-Machacek syndrome. Identifiers: Orphanet 125, MedGen C0005859, MONDO:0008876, OMIM 210900.

Submissions (2):

Ambry Genetics
Classification: Uncertain significance for Hereditary cancer-predisposing syndrome. Last evaluated: 2024-12-22. Review status: criteria provided, single submitter. Criteria: Ambry Variant Classification Scheme 2023. Collection method: clinical testing. Allele origin: germline.
Comment: The p.K1337E variant (also known as c.4009A>G), located in coding exon 20 of the BLM gene, results from an A to G substitution at nucleotide position 4009. The lysine at codon 1337 is replaced by glutamic acid, an amino acid with similar properties. This amino acid position is conserved. In addition, this alteration is predicted to be tolerated by in silico analysis. Based on the available evidence, the clinical significance of this variant remains unclear.

Labcorp Genetics (formerly Invitae), Labcorp
Classification: Uncertain significance for Bloom syndrome. Last evaluated: 2024-07-11. Review status: criteria provided, single submitter. Criteria: Invitae Variant Classification Sherloc (09022015). Collection method: clinical testing. Allele origin: germline.
Comment: This sequence change replaces lysine, which is basic and polar, with glutamic acid, which is acidic and polar, at codon 1337 of the BLM protein (p.Lys1337Glu). This variant is not present in population databases (gnomAD no frequency). This variant has not been reported in the literature in individuals affected with BLM-related conditions. ClinVar contains an entry for this variant (Variation ID: 1475477). Advanced modeling of protein sequence and biophysical properties (such as structural, functional, and spatial information, amino acid conservation, physicochemical variation, residue mobility, and thermodynamic stability) has been performed at Invitae for this missense variant, however the output from this modeling did not meet the statistical confidence thresholds required to predict the impact of this variant on BLM protein function. In summary, the available evidence is currently insufficient to determine the role of this variant in disease. Therefore, it has been classified as a Variant of Uncertain Significance.

NM_000057.4(BLM):c.4009A>G (p.Lys1337Glu)

Gene: BLM (BLM RecQ like helicase; plus strand). Cytogenetic location: 15q26.1.
Variant type: single nucleotide variant.
Coding change: c.4009A>G on transcript NM_000057.4 (MANE Select); coding-DNA position 4009, A replaced by G.
Protein change: p.Lys1337Glu; replaces lysine 1337 with glutamic acid.
Molecular consequence: missense variant.
Genome position (GRCh38, 1-based): chr15:90,811,339, A>G. VCF-style: chr15-90811339-A-G. GRCh37 (hg19) VCF-style: chr15-91354569-A-G.
Other names: c.4009A>G, p.Lys1337Glu (NM_001287246.2); c.3616A>G, p.Lys1206Glu (NM_001287247.2); c.2884A>G, p.Lys962Glu (NM_001287248.2); c.4009A>G (NM_000057.2); short protein forms K962E, K1206E, K1337E.
Identifiers: ClinVar variation 1475477 (VCV001475477.7), dbSNP rs2151199902, ClinGen allele CA393851220.